The following is an entry in ClinVar:

NM_000400.4(ERCC2):c.1532G>A (p.Arg511Gln)

Gene: ERCC2 (ERCC excision repair 2, TFIIH core complex helicase subunit; minus strand). Cytogenetic location: 19q13.32.
Variant type: single nucleotide variant.
Coding change: c.1532G>A on transcript NM_000400.4 (MANE Select); coding-DNA position 1532, G replaced by A.
Protein change: p.Arg511Gln; replaces arginine 511 with glutamine.
Molecular consequence: missense variant.
Genome position (GRCh38, 1-based): chr19:45,355,676, C>T on the plus strand (G>A on the coding strand, the complement: ERCC2 is on the minus strand). VCF-style: chr19-45355676-C-T. GRCh37 (hg19) VCF-style: chr19-45858934-C-T.
Other names: short protein forms R511Q.
Identifiers: ClinVar variation 3241411 (VCV003241411.5), dbSNP rs772572683.
Genomic context (GRCh38, chr19:45,355,676, plus strand): 5'-ACACCTCCCCTCTTGGAACCCACAGAAACCAGCCCCACTGGCAGCATACCAATATCCTCC[C>T]GGGTCTCAAATTTGGAGCTGATGGCCACCTGGTCATTGCCACGGCCGATGATCTGGAGAG-3'
Protein context (NP_000391.1, residues 501-521): QVAISSKFET[Arg511Gln]EDIAVIRNYG

ClinVar aggregate classification (germline): Pathogenic/Likely pathogenic. Review status: criteria provided, multiple submitters, no conflicts (2 of 4 stars). 4 submissions from 4 submitters: Pathogenic (2); Likely pathogenic (2). Last evaluated 2024-04-18.

Conditions:
Cerebrooculofacioskeletal syndrome 2 (COFS2). Identifiers: MedGen C1853102, MONDO:0012553, OMIM 610756.
Trichothiodystrophy 1, photosensitive (TTD1). Also called: TAY SYNDROME; TRICHOTHIODYSTROPHY WITH CONGENITAL ICHTHYOSIS; PIBIDS SYNDROME. Identifiers: Orphanet 33364, MedGen C1866504, MONDO:0011125, OMIM 601675.
Xeroderma pigmentosum, group D (XPD). Also called: XERODERMA PIGMENTOSUM, COMPLEMENTATION GROUP D; XERODERMA PIGMENTOSUM IV; XP, GROUP D; XP, GROUP H; ERCC2-Related Xeroderma Pigmentosum. Identifiers: MedGen C0268138, MONDO:0010212, OMIM 278730.
Xeroderma pigmentosum (XP). Identifiers: Orphanet 910, MedGen C0043346, MONDO:0019600.

Allele frequency attached by ClinVar (database versions not stated): gnomAD exomes 0.00001.
gnomAD v4.1: 14 of 1,614,154 alleles (0.00087%); highest among the groups gnomAD compares: Non-Finnish European, 0.0012%; no homozygotes.

Submissions (4):

Fulgent Genetics
Classification: Pathogenic for Xeroderma pigmentosum, group D; Trichothiodystrophy 1, photosensitive; Cerebrooculofacioskeletal syndrome 2. Last evaluated: 2024-04-18. Review status: criteria provided, single submitter. Criteria: ACMG Guidelines, 2015. Collection method: clinical testing. Allele origin: germline.

Women's Health and Genetics/Laboratory Corporation of America, LabCorp
Classification: Pathogenic for Xeroderma pigmentosum. Last evaluated: 2024-04-18. Review status: criteria provided, single submitter. Criteria: LabCorp Variant Classification Summary - May 2015. Collection method: clinical testing. Allele origin: germline.
Comment: Variant summary: ERCC2 c.1532G>A (p.Arg511Gln) results in a conservative amino acid change in the encoded protein sequence. Four of five in-silico tools predict a damaging effect of the variant on protein function. The variant allele was found at a frequency of 4e-06 in 251470 control chromosomes. c.1532G>A has been reported as biallelic genotypes in the literature in multiple individuals affected with Xeroderma Pigmentosum (example, Lehmann_2001, Fassihi_2016, Limisirichaikul_2009). These data indicate that the variant is very likely to be associated with disease. At least one publication reports experimental evidence evaluating an impact on protein function (Limisirichaikul_2009). The most pronounced variant effect results in 40% of normal unscheduled DNA synthesis (UDS) activity as a measure of nucleotide excision repair (NER). The following publications have been ascertained in the context of this evaluation (PMID: 31110295, 26884178, 11156600, 19179371). No submitters have cited clinical-significance assessments for this variant to ClinVar. Based on the evidence outlined above, the variant was classified as pathogenic.

Baylor Genetics
Classification: Likely pathogenic for Cerebrooculofacioskeletal syndrome 2. Last evaluated: 2024-01-08. Review status: criteria provided, single submitter. Criteria: ACMG Guidelines, 2015. Collection method: clinical testing. Allele origin: unknown.

Juno Genomics, Hangzhou Juno Genomics, Inc
Classification: Likely pathogenic for Trichothiodystrophy 1, photosensitive; Xeroderma pigmentosum, group D; Cerebrooculofacioskeletal syndrome 2. Review status: criteria provided, single submitter. Criteria: ACMG Guidelines, 2015. Collection method: clinical testing. Allele origin: germline.
Comment: Absent from controls (or at extremely low frequency if recessive) in Genome Aggregation Database.;Well-established in vitro or in vivo functional studies supportive of a damaging effect on the gene or gene product.;For recessive disorders, detected in trans with a pathogenic variant.;Patient's phenotype or family history is highly specific for a disease with a single genetic etiology.

Literature cited by the submitters: PubMed 26884178 (cited by Women's Health and Genetics/Laboratory Corporation of America, LabCorp); PubMed 11156600 (cited by Women's Health and Genetics/Laboratory Corporation of America, LabCorp); PubMed 19179371 (cited by Women's Health and Genetics/Laboratory Corporation of America, LabCorp); PubMed 31110295 (cited by Women's Health and Genetics/Laboratory Corporation of America, LabCorp).